The following is an entry in ClinVar:

NM_024642.5(GALNT12):c.1634A>G (p.Lys545Arg)

Gene: GALNT12 (polypeptide N-acetylgalactosaminyltransferase 12; plus strand). Cytogenetic location: 9q22.33.
Variant type: single nucleotide variant.
Coding change: c.1634A>G on transcript NM_024642.5 (MANE Select); coding-DNA position 1634, A replaced by G.
Protein change: p.Lys545Arg; replaces lysine 545 with arginine.
Molecular consequence: missense variant.
Genome position (GRCh38, 1-based): chr9:98,848,980, A>G. VCF-style: chr9-98848980-A-G. GRCh37 (hg19) VCF-style: chr9-101611262-A-G.
Other names: short protein forms K545R.
Identifiers: ClinVar variation 4028026 (VCV004028026.1).

ClinVar aggregate classification (germline): Uncertain significance (1 of 4 stars; one submission).

Submission:

Ambry Genetics
Classification: Uncertain significance. Last evaluated: 2025-06-13. Review status: criteria provided, single submitter. Criteria: Ambry Variant Classification Scheme 2023. Collection method: clinical testing. Allele origin: germline.
Comment: The p.K545R variant (also known as c.1634A>G), located in coding exon 10 of the GALNT12 gene, results from an A to G substitution at nucleotide position 1634. The lysine at codon 545 is replaced by arginine, an amino acid with highly similar properties. This amino acid position is conserved. In addition, this alteration is predicted to be tolerated by in silico analysis. Based on the available evidence, the clinical significance of this variant remains unclear.